The following is an entry in ClinVar:

NM_000059.4(BRCA2):c.3711T>G (p.Ala1237=)

Gene: BRCA2 (BRCA2 DNA repair associated; plus strand). Cytogenetic location: 13q13.1.
Variant type: single nucleotide variant.
Coding change: c.3711T>G on transcript NM_000059.4 (MANE Select); coding-DNA position 3711, T replaced by G.
Protein change: p.Ala1237=; no amino-acid change (alanine 1237 retained).
Molecular consequence: synonymous variant.
Genome position (GRCh38, 1-based): chr13:32,338,066, T>G. VCF-style: chr13-32338066-T-G. GRCh37 (hg19) VCF-style: chr13-32912203-T-G.
Identifiers: ClinVar variation 427415 (VCV000427415.4), dbSNP rs745588537, ClinGen allele CA483437740.

ClinVar aggregate classification (germline): Likely benign. Review status: reviewed by expert panel (3 of 4 stars). 2 submissions from 2 submitters: Likely benign (1). 1 of the submissions does not count toward it. Last evaluated 2017-06-29.

Conditions:
Breast-ovarian cancer, familial, susceptibility to, 2 (BROVCA2). Also called: BRCA2 Hereditary Breast and Ovarian Cancer. Identifiers: Orphanet 145, MedGen C2675520, MONDO:0012933, OMIM 612555. Disease mechanism: loss of function.
Hereditary cancer-predisposing syndrome. Also called: Neoplastic Syndromes, Hereditary; Hereditary neoplastic syndrome; Hereditary Cancer Syndrome; Tumor predisposition. Identifiers: Orphanet 140162, MedGen C0027672, MeSH D009386, MONDO:0015356.

gnomAD v4.1: 3 of 1,611,718 alleles (0.00019%); highest among the groups gnomAD compares: Non-Finnish European, 0.00025%; no homozygotes.

Submissions (2):

Evidence-based Network for the Interpretation of Germline Mutant Alleles (ENIGMA)
Classification: Likely benign for Breast-ovarian cancer, familial, susceptibility to, 2. Last evaluated: 2017-06-29. Review status: reviewed by expert panel. Criteria: ENIGMA BRCA1/2 Classification Criteria (2017-06-29). Collection method: curation. Allele origin: germline.
Comment: Synonymous substitution variant, with low bioinformatic likelihood to result in a splicing aberration (Splicing prior probability 0.02).

Ambry Genetics
Classification: Likely benign for Hereditary cancer-predisposing syndrome. Last evaluated: 2026-06-30. Review status: criteria provided, single submitter. Criteria: Ambry Variant Classification Scheme 2023. Collection method: clinical testing. Allele origin: germline. Not counted in ClinVar's aggregate classification.